The following is an entry in ClinVar:

NM_000138.5(FBN1):c.2055C>A (p.Cys685Ter)

Gene: FBN1 (fibrillin 1; minus strand). Cytogenetic location: 15q21.1.
Variant type: single nucleotide variant.
Coding change: c.2055C>A on transcript NM_000138.5 (MANE Select); coding-DNA position 2055, C replaced by A.
Protein change: p.Cys685Ter; replaces cysteine 685 with a stop codon.
Molecular consequence: nonsense.
Genome position (GRCh38, 1-based): chr15:48,503,845, G>T on the plus strand (C>A on the coding strand, the complement: FBN1 is on the minus strand). VCF-style: chr15-48503845-G-T. GRCh37 (hg19) VCF-style: chr15-48796042-G-T.
Other names: p.C685X:TGC>TGA; short protein forms C685*.
Identifiers: ClinVar variation 199980 (VCV000199980.6), dbSNP rs140603, ClinGen allele CA012720.

ClinVar aggregate classification (germline): Pathogenic/Likely pathogenic. Review status: criteria provided, multiple submitters, no conflicts (2 of 4 stars). 3 submissions from 3 submitters: Pathogenic (2); Likely pathogenic (1). Last evaluated 2024-07-10.

Conditions:
Marfan syndrome (MFS). Also called: Marfan syndrome, classic; FBN1-Related Marfan Syndrome; Marfan syndrome type 1; Marfan's syndrome; MARFAN SYNDROME, TYPE I. Identifiers: Orphanet 284963, Orphanet 558, MedGen C0024796, MONDO:0007947, OMIM 154700.
Familial thoracic aortic aneurysm and aortic dissection (TAAD). Also called: Thoracic aortic aneurysms and dissections. Identifiers: Orphanet 91387, MedGen C4707243, MONDO:0019625.
FBN1-related disorder. Also called: FBN1-related disorders.

Submissions (3):

Labcorp Genetics (formerly Invitae), Labcorp
Classification: Pathogenic for Marfan syndrome; Familial thoracic aortic aneurysm and aortic dissection. Last evaluated: 2024-07-10. Review status: criteria provided, single submitter. Criteria: Invitae Variant Classification Sherloc (09022015). Collection method: clinical testing. Allele origin: germline.
Comment: This sequence change creates a premature translational stop signal (p.Cys685*) in the FBN1 gene. It is expected to result in an absent or disrupted protein product. Loss-of-function variants in FBN1 are known to be pathogenic (PMID: 17657824, 19293843). This variant is not present in population databases (gnomAD no frequency). This variant has not been reported in the literature in individuals affected with FBN1-related conditions. ClinVar contains an entry for this variant (Variation ID: 199980). Algorithms developed to predict the effect of sequence changes on RNA splicing suggest that this variant may disrupt the consensus splice site. For these reasons, this variant has been classified as Pathogenic.

Blueprint Genetics
Classification: Likely pathogenic for FBN1-related disorders. Last evaluated: 2023-04-28. Review status: criteria provided, single submitter. Criteria: ACMG Guidelines, 2015. Collection method: clinical testing. Allele origin: germline. Affected: yes. Observed: 1 variant allele.

GeneDx
Classification: Pathogenic. Last evaluated: 2019-08-21. Review status: criteria provided, single submitter. Criteria: GeneDx Variant Classification Process June 2021. Collection method: clinical testing. Allele origin: germline. Affected: yes.
Comment: Nonsense variant predicted to result in protein truncation or nonsense mediated decay in a gene for which loss-of-function is a known mechanism of disease; Not observed in large population cohorts (Lek et al., 2016); Has not been previously published as pathogenic or benign to our knowledge

Literature cited by the submitters: PubMed 17657824 (cited by Labcorp Genetics (formerly Invitae), Labcorp); PubMed 19293843 (cited by Labcorp Genetics (formerly Invitae), Labcorp).